The following is an entry in ClinVar:

NM_020433.5(JPH2):c.32G>C (p.Gly11Ala)

Gene: JPH2 (junctophilin 2; minus strand). Cytogenetic location: 20q13.12.
Variant type: single nucleotide variant.
Coding change: c.32G>C on transcript NM_020433.5 (MANE Select); coding-DNA position 32, G replaced by C.
Protein change: p.Gly11Ala; replaces glycine 11 with alanine.
Molecular consequence: missense variant.
Genome position (GRCh38, 1-based): chr20:44,186,674, C>G on the plus strand (G>C on the coding strand, the complement: JPH2 is on the minus strand). VCF-style: chr20-44186674-C-G. GRCh37 (hg19) VCF-style: chr20-42815314-C-G.
Other names: c.32G>C, p.Gly11Ala (NM_175913.4); short protein forms G11A.
Identifiers: ClinVar variation 4858567 (VCV004858567.1).

ClinVar aggregate classification (germline): Uncertain significance (1 of 4 stars; one submission).

Conditions:
Cardiovascular phenotype. Identifiers: MedGen CN230736.

gnomAD v4.1: 3 of 1,602,458 alleles (0.00019%); highest among the groups gnomAD compares: Non-Finnish European, 0.00025%; no homozygotes.

Submission:

Ambry Genetics
Classification: Uncertain significance for Cardiovascular phenotype. Last evaluated: 2026-05-12. Review status: criteria provided, single submitter. Criteria: Ambry Variant Classification Scheme 2023. Collection method: clinical testing. Allele origin: germline.
Comment: The p.G11A variant (also known as c.32G>C), located in coding exon 1 of the JPH2 gene, results from a G to C substitution at nucleotide position 32. The glycine at codon 11 is replaced by alanine, an amino acid with similar properties. This amino acid position is highly conserved in available vertebrate species. In addition, the in silico prediction for this alteration is inconclusive. Based on the available evidence, the clinical significance of this variant remains unclear.